The following is an entry in ClinVar:

ClinVar aggregate classification (germline): Pathogenic (1 of 4 stars; one submission).

Conditions:
Hereditary cancer-predisposing syndrome. Also called: Tumor predisposition; Hereditary neoplastic syndrome; Hereditary Cancer Syndrome; Neoplastic Syndromes, Hereditary. Identifiers: Orphanet 140162, MedGen C0027672, MeSH D009386, MONDO:0015356.

Submission:

Ambry Genetics
Classification: Pathogenic for Hereditary cancer-predisposing syndrome. Last evaluated: 2025-06-13. Review status: criteria provided, single submitter. Criteria: Ambry Variant Classification Scheme 2023. Collection method: clinical testing. Allele origin: germline.
Comment: The c.3757_3758delCT pathogenic mutation, located in coding exon 30 of the TSC2 gene, results from a deletion of two nucleotides at nucleotide positions 3757 to 3758, causing a translational frameshift with a predicted alternate stop codon (p.L1253Vfs*68). This variant is considered to be rare based on population cohorts in the Genome Aggregation Database (gnomAD). This alteration is expected to result in loss of function by premature protein truncation or nonsense-mediated mRNA decay. As such, this alteration is interpreted as a disease-causing mutation.

NM_000548.5(TSC2):c.3757_3758del (p.Leu1253fs)

Gene: TSC2 (TSC complex subunit 2; plus strand). Cytogenetic location: 16p13.3.
Variant type: Deletion.
Coding change: c.3757_3758del on transcript NM_000548.5 (MANE Select); coding-DNA positions 3757 to 3758, 2 bases deleted (CT; older notation c.3757_3758delCT).
Protein change: p.Leu1253fs; shifts the reading frame from leucine 1253.
Molecular consequence: frameshift variant. On other transcripts: non-coding transcript variant (5).
Genome position (GRCh38, 1-based): chr16:2,081,741-2,081,742, CT deleted. VCF-style (leftmost placement, unchanged base first): chr16-2081740-ACT-A. GRCh37 (hg19) VCF-style: chr16-2131741-ACT-A.
Other names: c.3625_3626del, p.Leu1209fs (NM_001077183.3, NM_001370404.1, NM_001406665.1); c.3757_3758del, p.Leu1253fs (NM_001114382.3); c.3517_3518del, p.Leu1173fs (NM_001318827.2); c.3481_3482del, p.Leu1161fs (NM_001318829.2); c.3025_3026del, p.Leu1009fs (NM_001318831.2, NM_001406687.1, NM_001406688.1); c.3658_3659del, p.Leu1220fs (NM_001318832.2); c.3628_3629del, p.Leu1210fs (NM_001363528.2, NM_001370405.1, NM_021055.3); c.3754_3755del, p.Leu1252fs (NM_001406663.1, NM_001406664.1); and 18 more; short protein forms L1053fs, L1056fs, L1161fs, L1172fs, L1190fs, L1204fs, L1209fs, L762fs.
Identifiers: ClinVar variation 3974706 (VCV003974706.1).